The following is an entry in ClinVar:

ClinVar aggregate classification (germline): Uncertain significance. Review status: criteria provided, multiple submitters, no conflicts (2 of 4 stars). 4 submissions from 4 submitters: Uncertain significance (4). Last evaluated 2025-11-21.

Conditions:
SPTA1-related disorder. Also called: SPTA1-related condition; SPTA1-related disorders.

Allele frequency attached by ClinVar (database versions not stated): ExAC 0.00001; gnomAD 0.00003; TOPMed 0.00003; ESP Exome Variant Server 0.00008.
gnomAD v4.1: 23 of 1,613,738 alleles (0.0014%); highest among the groups gnomAD compares: Non-Finnish European, 0.0019%; no homozygotes.

Submissions (4):

PreventionGenetics, part of Exact Sciences
Classification: Uncertain significance for SPTA1-related condition. Last evaluated: 2025-11-21. Review status: criteria provided, single submitter. Criteria: ACMG Guidelines, 2015. Collection method: clinical testing. Allele origin: germline.
Comment: The SPTA1 c.4174G>C variant is predicted to result in the amino acid substitution p.Asp1392His. To our knowledge, this variant has not been reported in the literature. This variant is reported in 0.0031% of alleles in individuals of European (Non-Finnish) descent in gnomAD. At this time, the clinical significance of this variant is uncertain due to the absence of conclusive functional and genetic evidence.

Ambry Genetics
Classification: Uncertain significance. Last evaluated: 2025-11-13. Review status: criteria provided, single submitter. Criteria: Ambry Variant Classification Scheme 2023. Collection method: clinical testing. Allele origin: germline.

Revvity Omics, Revvity
Classification: Uncertain significance. Last evaluated: 2024-03-25. Review status: criteria provided, single submitter. Criteria: ACMG Guidelines, 2015. Collection method: clinical testing. Allele origin: germline.

ARUP Laboratories, Molecular Genetics and Genomics, ARUP Laboratories
Classification: Uncertain significance. Last evaluated: 2022-09-15. Review status: criteria provided, single submitter. Criteria: ARUP Molecular Germline Variant Investigation Process 2021. Collection method: clinical testing. Allele origin: germline.

NM_003126.4(SPTA1):c.4174G>C (p.Asp1392His)

Gene: SPTA1 (spectrin alpha, erythrocytic 1; minus strand). Cytogenetic location: 1q23.1.
Variant type: single nucleotide variant.
Coding change: c.4174G>C on transcript NM_003126.4 (MANE Select); coding-DNA position 4174, G replaced by C.
Protein change: p.Asp1392His; replaces aspartic acid 1392 with histidine.
Molecular consequence: missense variant.
Genome position (GRCh38, 1-based): chr1:158,645,208, C>G on the plus strand (G>C on the coding strand, the complement: SPTA1 is on the minus strand). VCF-style: chr1-158645208-C-G. GRCh37 (hg19) VCF-style: chr1-158614998-C-G.
Other names: c.4174G>C (NM_003126.2); short protein forms D1392H.
Identifiers: ClinVar variation 2428757 (VCV002428757.7), dbSNP rs370799608, ClinGen allele CA1182811.